The following is an entry in ClinVar:

NM_000019.4(ACAT1):c.1018G>A (p.Val340Met)

Gene: ACAT1 (acetyl-CoA acetyltransferase 1; plus strand). Cytogenetic location: 11q22.3.
Variant type: single nucleotide variant.
Coding change: c.1018G>A on transcript NM_000019.4 (MANE Select); coding-DNA position 1018, G replaced by A.
Protein change: p.Val340Met; replaces valine 340 with methionine.
Molecular consequence: missense variant. On other transcripts: non-coding transcript variant (2).
Genome position (GRCh38, 1-based): chr11:108,146,214, G>A. VCF-style: chr11-108146214-G-A. GRCh37 (hg19) VCF-style: chr11-108016941-G-A.
Other names: c.1018G>A, p.Val340Met (NM_001386677.1); c.703G>A, p.Val235Met (NM_001386678.1); c.721G>A, p.Val241Met (NM_001386679.1); c.748G>A, p.Val250Met (NM_001386681.1, NM_001386682.1, NM_001386685.1 and 6 more transcripts); short protein forms V250M, V241M, V340M, V235M.
Identifiers: ClinVar variation 1897299 (VCV001897299.2), dbSNP rs1168919899, ClinGen allele CA382508352.

ClinVar aggregate classification (germline): Uncertain significance (1 of 4 stars; one submission).

Conditions:
Deficiency of acetyl-CoA acetyltransferase. Also called: 3-KETOTHIOLASE DEFICIENCY; 3-OXOTHIOLASE DEFICIENCY; MITOCHONDRIAL ACETOACETYL-CoA THIOLASE DEFICIENCY; Beta-ketothiolase deficiency. Identifiers: Orphanet 134, MedGen C1536500, MONDO:0008760, OMIM 203750. Disease mechanism: loss of function.

Allele frequency attached by ClinVar (database versions not stated): gnomAD 0.00001; TOPMed 0.00001.
gnomAD v4.1: 2 of 1,612,120 alleles (0.00012%); highest among the groups gnomAD compares: African/African-American, 0.0027%; no homozygotes.

Submission:

Labcorp Genetics (formerly Invitae), Labcorp
Classification: Uncertain significance for Deficiency of acetyl-CoA acetyltransferase. Last evaluated: 2022-07-21. Review status: criteria provided, single submitter. Criteria: Invitae Variant Classification Sherloc (09022015). Collection method: clinical testing. Allele origin: germline.
Comment: This sequence change replaces valine, which is neutral and non-polar, with methionine, which is neutral and non-polar, at codon 340 of the ACAT1 protein (p.Val340Met). This variant is not present in population databases (gnomAD no frequency). This variant has not been reported in the literature in individuals affected with ACAT1-related conditions. Advanced modeling of protein sequence and biophysical properties (such as structural, functional, and spatial information, amino acid conservation, physicochemical variation, residue mobility, and thermodynamic stability) performed at Invitae indicates that this missense variant is not expected to disrupt ACAT1 protein function. In summary, the available evidence is currently insufficient to determine the role of this variant in disease. Therefore, it has been classified as a Variant of Uncertain Significance.